The following is an entry in ClinVar:

NM_003500.4(ACOX2):c.408del (p.Lys137fs)

Gene: ACOX2 (acyl-CoA oxidase 2; minus strand). Cytogenetic location: 3p14.3.
Variant type: Deletion.
Coding change: c.408del on transcript NM_003500.4 (MANE Select); coding-DNA position 408, one base deleted (C; older notation c.408delC).
Protein change: p.Lys137fs; shifts the reading frame from lysine 137.
Molecular consequence: frameshift variant.
Genome position (GRCh38, 1-based): chr3:58,534,061, G deleted on the plus strand (C on the coding strand, the reverse complement: ACOX2 is on the minus strand); the first of 2 consecutive G bases (chr3:58,534,061-58,534,062); deleting either gives the same sequence. VCF-style (leftmost placement, unchanged base first): chr3-58534060-TG-T. GRCh37 (hg19) VCF-style: chr3-58519787-TG-T.
Other names: short protein forms K137fs.
Identifiers: ClinVar variation 2875512 (VCV002875512.3), dbSNP rs2471480730, ClinGen allele CA2739278376.

ClinVar aggregate classification (germline): Uncertain significance (1 of 4 stars; one submission).

Submission:

Labcorp Genetics (formerly Invitae), Labcorp
Classification: Uncertain significance. Last evaluated: 2024-01-13. Review status: criteria provided, single submitter. Criteria: Invitae Variant Classification Sherloc (09022015). Collection method: clinical testing. Allele origin: germline.
Comment: This sequence change creates a premature translational stop signal (p.Lys137Asnfs*43) in the ACOX2 gene. It is expected to result in an absent or disrupted protein product. However, the current clinical and genetic evidence is not sufficient to establish whether loss-of-function variants in ACOX2 cause disease. This variant is not present in population databases (gnomAD no frequency). This variant has not been reported in the literature in individuals affected with ACOX2-related conditions. In summary, the available evidence is currently insufficient to determine the role of this variant in disease. Therefore, it has been classified as a Variant of Uncertain Significance.